The following is an entry in ClinVar:

ClinVar aggregate classification (germline): Conflicting classifications of pathogenicity. Review status: criteria provided, conflicting classifications (1 of 4 stars). 9 submissions from 9 submitters: Uncertain significance (8); Likely benign (1). Last evaluated 2026-01-16.

Conditions:
Familial cancer of breast. Also called: Hereditary breast cancer; hereditary breast carcinoma; BREAST CANCER, FAMILIAL. Identifiers: Orphanet 227535, MedGen C0346153, MONDO:0016419, OMIM 114480. Disease mechanism: loss of function.
Breast-ovarian cancer, familial, susceptibility to, 2 (BROVCA2). Also called: BRCA2 Hereditary Breast and Ovarian Cancer. Identifiers: Orphanet 145, MedGen C2675520, MONDO:0012933, OMIM 612555. Disease mechanism: loss of function.
Wilms tumor 1 (WT1). Also called: Wilms tumor, somatic. Identifiers: Orphanet 654, MedGen CN033288, MONDO:0008679, OMIM 194070.
Pancreatic cancer, susceptibility to, 2. Identifiers: Orphanet 1333, MedGen C3150546, MONDO:0013235, OMIM 613347.
Glioma susceptibility 3 (GLM3). Also called: Glioblastoma 3. Identifiers: Orphanet 182067, Orphanet 360, MedGen C2751641, MONDO:0013093, OMIM 613029.
Familial prostate cancer. Also called: Hereditary Prostate Cancer. Identifiers: MedGen C2931456, MONDO:0700275, OMIM 176807.
Fanconi anemia complementation group D1. Also called: BRCA2-Related Fanconi Anemia. Identifiers: Orphanet 319462, MedGen C1838457, MONDO:0011584, OMIM 605724.
Medulloblastoma (MDB). Also called: MEDULLOBLASTOMA PREDISPOSITION SYNDROME; Medulloblastoma, somatic. Identifiers: Orphanet 616, MedGen C0025149, MeSH D008527, MONDO:0007959, OMIM 155255, HP:0002885.
Hereditary cancer-predisposing syndrome. Also called: Hereditary Cancer Syndrome; Neoplastic Syndromes, Hereditary; Tumor predisposition; Hereditary neoplastic syndrome. Identifiers: Orphanet 140162, MedGen C0027672, MeSH D009386, MONDO:0015356.
Hereditary breast ovarian cancer syndrome. Also called: Hereditary breast and ovarian cancer; Hereditary breast and ovarian cancer syndrome (HBOC); Hereditary breast and/or ovarian cancer syndrome; Hereditary breast and ovarian cancer syndrome; Breast and ovarian cancer; BRCA1- and BRCA2-Associated Hereditary Breast and Ovarian Cancer. Identifiers: Orphanet 145, MedGen C0677776, MeSH D061325, MONDO:0003582. Disease mechanism: loss of function.

Submissions (9):

Women's Health and Genetics/Laboratory Corporation of America, LabCorp
Classification: Uncertain significance. Last evaluated: 2026-01-16. Review status: criteria provided, single submitter. Criteria: LabCorp Variant Classification Summary - May 2015. Collection method: clinical testing. Allele origin: germline.
Comment: Variant summary: BRCA2 c.4611A>C (p.Glu1537Asp) results in a conservative amino acid change in the encoded protein sequence. Algorithms developed to predict the effect of missense changes on protein structure and function all suggest that this variant is likely to be tolerated. The variant was absent in 250406 control chromosomes. The available data on variant occurrences in the general population are insufficient to allow any conclusion about variant significance. To our knowledge, no occurrence of c.4611A>C in individuals affected with BRCA2-related conditions and no experimental evidence demonstrating its impact on protein function have been reported. ClinVar contains an entry for this variant (Variation ID: 185609). Based on the evidence outlined above, the variant was classified as uncertain significance.

Color Diagnostics, LLC DBA Color Health
Classification: Uncertain significance for Hereditary cancer-predisposing syndrome. Last evaluated: 2025-07-30. Review status: criteria provided, single submitter. Criteria: ACMG Guidelines, 2015. Collection method: clinical testing. Allele origin: germline.
Comment: This missense variant replaces glutamic acid with aspartic acid at codon 1537 of the BRCA2 protein. Computational prediction is inconclusive regarding the impact of this variant on protein structure and function. To our knowledge, functional studies have not been reported for this variant. A multifactorial analysis has reached a combined likelihood ratio (LR) of 0.623 based on reported LR for co-occurrence with a pathogenic variant and personal and family history for 2 carriers (PMID: 31853058). This variant has not been identified in the general population by the Genome Aggregation Database (gnomAD). The available evidence is insufficient to determine the role of this variant in disease conclusively. Therefore, this variant is classified as a Variant of Uncertain Significance.

Ambry Genetics
Classification: Uncertain significance for Hereditary cancer-predisposing syndrome. Last evaluated: 2024-10-17. Review status: criteria provided, single submitter. Criteria: Ambry Variant Classification Scheme 2023. Collection method: clinical testing. Allele origin: germline.
Comment: The p.E1537D variant (also known as c.4611A>C), located in coding exon 10 of the BRCA2 gene, results from an A to C substitution at nucleotide position 4611. The glutamic acid at codon 1537 is replaced by aspartic acid, an amino acid with highly similar properties. This amino acid position is not well conserved in available vertebrate species. In addition, the in silico prediction for this alteration is inconclusive. Based on the available evidence, the clinical significance of this variant remains unclear.

Labcorp Genetics (formerly Invitae), Labcorp
Classification: Uncertain significance for Hereditary breast ovarian cancer syndrome. Last evaluated: 2024-09-22. Review status: criteria provided, single submitter. Criteria: Invitae Variant Classification Sherloc (09022015). Collection method: clinical testing. Allele origin: germline.
Comment: This sequence change replaces glutamic acid, which is acidic and polar, with aspartic acid, which is acidic and polar, at codon 1537 of the BRCA2 protein (p.Glu1537Asp). This variant is not present in population databases (gnomAD no frequency). This variant has not been reported in the literature in individuals affected with BRCA2-related conditions. ClinVar contains an entry for this variant (Variation ID: 185609). Invitae Evidence Modeling of protein sequence and biophysical properties (such as structural, functional, and spatial information, amino acid conservation, physicochemical variation, residue mobility, and thermodynamic stability) indicates that this missense variant is not expected to disrupt BRCA2 protein function with a negative predictive value of 95%. In summary, the available evidence is currently insufficient to determine the role of this variant in disease. Therefore, it has been classified as a Variant of Uncertain Significance.

Fulgent Genetics
Classification: Uncertain significance for Familial cancer of breast; Medulloblastoma; Familial prostate cancer; Wilms tumor 1; Fanconi anemia complementation group D1; Breast-ovarian cancer, familial, susceptibility to, 2; Glioma susceptibility 3; Pancreatic cancer, susceptibility to, 2. Last evaluated: 2024-06-16. Review status: criteria provided, single submitter. Criteria: ACMG Guidelines, 2015. Collection method: clinical testing. Allele origin: germline.

All of Us Research Program, National Institutes of Health
Classification: Uncertain significance for Breast-ovarian cancer, familial, susceptibility to, 2. Last evaluated: 2023-12-18. Review status: criteria provided, single submitter. Criteria: ACMG Guidelines, 2015. Collection method: clinical testing. Allele origin: germline. Inheritance: Autosomal dominant inheritance. Observed: 1 variant allele, 1 heterozygote.
Comment: This missense variant replaces glutamic acid with aspartic acid at codon 1537 of the BRCA2 protein. Computational prediction is inconclusive regarding the impact of this variant on protein structure and function (internally defined REVEL score threshold 0.5 < inconclusive < 0.7, PMID: 27666373). To our knowledge, functional studies have not been reported for this variant. This variant has not been reported in individuals affected with BRCA2-related disorders in the literature. This variant has not been identified in the general population by the Genome Aggregation Database (gnomAD). The available evidence is insufficient to determine the role of this variant in disease conclusively. Therefore, this variant is classified as a Variant of Uncertain Significance.

This study involves interpretation of variants in research participants for the purpose of population health screening. Participant phenotype was not available at the time of variant classification. Additional details can be found in publication PMID: 35346344, PMCID: PMC8962531

Quest Diagnostics Nichols Institute San Juan Capistrano
Classification: Uncertain significance. Last evaluated: 2023-06-19. Review status: criteria provided, single submitter. Criteria: Quest Diagnostics criteria. Collection method: clinical testing. Allele origin: unknown.
Comment: In the published literature, this variant has been reported to be located in a region of the BRCA1 gene that is tolerant to missense sequence changes (PMID: 31911673 (2020)). This variant has not been reported in individuals with a BRCA2-related disorder. This variant has not been reported in large, multi-ethnic general populations (Genome Aggregation Database). Analysis of this variant using bioinformatics tools for the prediction of the effect of amino acid changes on protein structure and function yielded predictions that this variant is benign. Based on the available information, we are unable to determine the clinical significance of this variant.

University of Washington Department of Laboratory Medicine, University of Washington
Classification: Likely benign for Hereditary cancer-predisposing syndrome. Last evaluated: 2023-03-23. Review status: criteria provided, single submitter. Criteria: Dines et al. (Genet Med. 2020). Collection method: curation. Allele origin: germline.
Comment: Missense variant in a coldspot region where missense variants are very unlikely to be pathogenic (PMID:31911673).

BRCA2 exon 11 coldspot. Reclassification based on statistical prior probability.

PreventionGenetics, part of Exact Sciences
Classification: Uncertain significance. Last evaluated: 2017-12-08. Review status: criteria provided, single submitter. Criteria: ACMG Guidelines, 2015. Collection method: clinical testing. Allele origin: germline.

Literature cited by the submitters: PubMed 31853058 (cited by Color Diagnostics, LLC DBA Color Health); PubMed 31911673 (cited by Quest Diagnostics Nichols Institute San Juan Capistrano).

NM_000059.4(BRCA2):c.4611A>C (p.Glu1537Asp)

Gene: BRCA2 (BRCA2 DNA repair associated; plus strand). Cytogenetic location: 13q13.1.
Variant type: single nucleotide variant.
Coding change: c.4611A>C on transcript NM_000059.4 (MANE Select); coding-DNA position 4611, A replaced by C.
Protein change: p.Glu1537Asp; replaces glutamic acid 1537 with aspartic acid.
Molecular consequence: missense variant.
Genome position (GRCh38, 1-based): chr13:32,338,966, A>C. VCF-style: chr13-32338966-A-C. GRCh37 (hg19) VCF-style: chr13-32913103-A-C.
Other names: short protein forms E1537D.
Identifiers: ClinVar variation 185609 (VCV000185609.27), dbSNP rs786202313, ClinGen allele CA020539.
Genomic context (GRCh38, chr13:32,338,966, plus strand): 5'-AGAACCTACTCTATTGGGTTTTCATACAGCTAGCGGGAAAAAAGTTAAAATTGCAAAGGA[A>C]TCTTTGGACAAAGTGAAAAACCTTTTTGATGAAAAAGAGCAAGGTACTAGTGAAATCACC-3'
Protein context (NP_000050.3, residues 1527-1547): ASGKKVKIAK[Glu1537Asp]SLDKVKNLFD